The following is an entry in ClinVar:

NM_025137.4(SPG11):c.1966_1967del (p.Lys656fs)

Gene: SPG11 (SPG11 vesicle trafficking associated, spatacsin; minus strand). Cytogenetic location: 15q21.1.
Variant type: Deletion.
Coding change: c.1966_1967del on transcript NM_025137.4 (MANE Select); coding-DNA positions 1966 to 1967, 2 bases deleted (AA; older notation c.1966_1967delAA).
Protein change: p.Lys656fs; shifts the reading frame from lysine 656.
Molecular consequence: frameshift variant.
Genome position (GRCh38, 1-based): chr15:44,628,769-44,628,770, TT deleted on the plus strand (AA on the coding strand, the reverse complement: SPG11 is on the minus strand); deleting any 2 consecutive bases within chr15:44,628,769-44,628,771 gives the same sequence; the c. name uses the placement nearest the transcript's 3' end. VCF-style (leftmost placement, unchanged base first): chr15-44628768-CTT-C. GRCh37 (hg19) VCF-style: chr15-44920966-CTT-C.
Other names: c.1966_1967del, p.Lys656fs (NM_001160227.2); c.1966_1967delAA (NM_025137.4); short protein forms K656fs.
Identifiers: ClinVar variation 873262 (VCV000873262.3), dbSNP rs1303294230, ClinGen allele CA713050598.

ClinVar aggregate classification (germline): Pathogenic/Likely pathogenic. Review status: criteria provided, multiple submitters, no conflicts (2 of 4 stars). 4 submissions from 3 submitters: Pathogenic (1); Likely pathogenic (3). Last evaluated 2022-10-28.

Conditions:
Hereditary spastic paraplegia 11. Also called: Spastic Paraplegia 11; Nakamura Osame syndrome; Autosomal recessive hereditary spastic paraplegia, mental impairment, and thin corpus callosum; Spastic paraplegia, mental retardation and thin corpus callosum; SPASTIC PARAPLEGIA, AUTOSOMAL RECESSIVE, COMPLICATED, WITH THIN CORPUS CALLOSUM; SPASTIC PARAPLEGIA, AUTOSOMAL RECESSIVE, WITH MENTAL IMPAIRMENT AND THIN CORPUS CALLOSUM. Identifiers: Orphanet 2822, MedGen C1858479, MONDO:0011445, OMIM 604360.
Hereditary spastic paraplegia. Also called: Familial spastic paraparesis. Identifiers: Orphanet 685, MedGen C0037773, MONDO:0019064. Disease mechanism: loss of function.
Amyotrophic lateral sclerosis type 5 (ALS5). Also called: AMYOTROPHIC LATERAL SCLEROSIS 5, JUVENILE. Identifiers: Orphanet 300605, MedGen C1865864, MONDO:0011196, OMIM 602099.

Submissions (4):

Women's Health and Genetics/Laboratory Corporation of America, LabCorp
Classification: Pathogenic for Hereditary spastic paraplegia. Last evaluated: 2022-10-28. Review status: criteria provided, single submitter. Criteria: LabCorp Variant Classification Summary - May 2015. Collection method: clinical testing. Allele origin: germline.
Comment: Variant summary: SPG11 c.1966_1967delAA (p.Lys656ValfsX11) results in a premature termination codon, predicted to cause a truncation of the encoded protein or absence of the protein due to nonsense mediated decay, which are commonly known mechanisms for disease. Truncations downstream of this position have been classified as pathogenic by our laboratory. The variant was absent in 251100 control chromosomes (gnomAD). c.1966_1967delAA has been reported in the literature in homozygous individuals affected with Amyotrophic lateral sclerosis and this variant co-segregated with the disease in one family (Iskender_2015, Kotan_2020, Vural_2021). These data indicate that the variant is likely to be associated with disease. To our knowledge, no experimental evidence demonstrating an impact on protein function has been reported. One ClinVar submitter (evaluation after 2014) cites the variant as likely pathogenic. Based on the evidence outlined above, the variant was classified as pathogenic.

Suna and Inan Kirac Foundation Neurodegeneration Research Laboratory, Koc University
Classification: Likely pathogenic for Amyotrophic lateral sclerosis type 5. Last evaluated: 2020-03-31. Review status: criteria provided, single submitter. Criteria: ACMG Guidelines, 2015. Collection method: research. Allele origin: germline. Affected: yes. Observed: 1 variant allele.

Genome-Nilou Lab
Classification: Likely pathogenic for Amyotrophic lateral sclerosis type 5. Review status: criteria provided, single submitter. Criteria: ACMG Guidelines, 2015. Collection method: clinical testing. Allele origin: germline.

Genome-Nilou Lab
Classification: Likely pathogenic for Hereditary spastic paraplegia 11. Review status: criteria provided, single submitter. Criteria: ACMG Guidelines, 2015. Collection method: clinical testing. Allele origin: germline.

Literature cited by the submitters: PubMed 33624863 (cited by Women's Health and Genetics/Laboratory Corporation of America, LabCorp); PubMed 27066562 (cited by Women's Health and Genetics/Laboratory Corporation of America, LabCorp); PubMed 32671691 (cited by Women's Health and Genetics/Laboratory Corporation of America, LabCorp); PubMed 32579787 (cited by Women's Health and Genetics/Laboratory Corporation of America, LabCorp).